The following is an entry in ClinVar:

ClinVar aggregate classification (germline): Uncertain significance. Review status: criteria provided, multiple submitters, no conflicts (2 of 4 stars). 3 submissions from 3 submitters: Uncertain significance (3). Last evaluated 2026-03-26.

Conditions:
Neuropathy, hereditary sensory, type 2C. Also called: KIF1A-Related HSAN2 (HSAN2C); Hereditary sensory and autonomic neuropathy type IIC. Identifiers: Orphanet 970, MedGen C3280168, MONDO:0013634, OMIM 614213.
Intellectual disability, autosomal dominant 9 (NESCAVS). Also called: NESCAV SYNDROME; KIF1A-Related Neurodevelopmental Disorder. Identifiers: Orphanet 662367, MedGen C5393830, MONDO:0013656, OMIM 614255.
Hereditary spastic paraplegia 30. Identifiers: Orphanet 101010, MedGen C5235139, MONDO:0012476.

Allele frequency attached by ClinVar (database versions not stated): gnomAD 0.00001; TOPMed 0.00001.
gnomAD v4.1: 1 of 1,597,024 alleles (0.000063%); highest among the groups gnomAD compares: African/African-American, 0.0013%; no homozygotes.

Submissions (3):

Dasa
Classification: Uncertain significance. Last evaluated: 2026-03-26. Review status: criteria provided, single submitter. Criteria: DASA Assertion Criteria. Collection method: clinical testing. Allele origin: germline.
Comment: NM_001244008.2(KIF1A):c.1805G>A (p.Arg602Gln) is a missense variant that results in the substitution of arginine with glutamine. This variant is rare in population databases. Computational prediction algorithms are consistent with a deleterious effect. The currently available literature and clinical evidence are not sufficient to establish a definitive association between this variant and the reported condition. Therefore, this variant is classified as a variant of uncertain significance.

Blueprint Genetics
Classification: Uncertain significance. Last evaluated: 2023-04-06. Review status: criteria provided, single submitter. Criteria: ACMG Guidelines, 2015. Collection method: clinical testing. Allele origin: germline.

Labcorp Genetics (formerly Invitae), Labcorp
Classification: Uncertain significance for Hereditary spastic paraplegia 30; Neuropathy, hereditary sensory, type 2C; Intellectual disability, autosomal dominant 9. Last evaluated: 2021-05-20. Review status: criteria provided, single submitter. Criteria: Invitae Variant Classification Sherloc (09022015). Collection method: clinical testing. Allele origin: germline.
Comment: In summary, the available evidence is currently insufficient to determine the role of this variant in disease. Therefore, it has been classified as a Variant of Uncertain Significance. Algorithms developed to predict the effect of sequence changes on RNA splicing suggest that this variant may create or strengthen a splice site, but this prediction has not been confirmed by published transcriptional studies. Advanced modeling of protein sequence and biophysical properties (such as structural, functional, and spatial information, amino acid conservation, physicochemical variation, residue mobility, and thermodynamic stability) performed at Invitae indicates that this missense variant is expected to disrupt KIF1A protein function. This variant has not been reported in the literature in individuals with KIF1A-related conditions. This variant is not present in population databases (ExAC no frequency). This sequence change replaces arginine with glutamine at codon 593 of the KIF1A protein (p.Arg593Gln). The arginine residue is highly conserved and there is a small physicochemical difference between arginine and glutamine.

NM_001244008.2(KIF1A):c.1805G>A (p.Arg602Gln)

Gene: KIF1A (kinesin family member 1A; minus strand). Cytogenetic location: 2q37.3.
Variant type: single nucleotide variant.
Coding change: c.1805G>A on transcript NM_001244008.2 (MANE Select); coding-DNA position 1805, G replaced by A.
Protein change: p.Arg602Gln; replaces arginine 602 with glutamine.
Molecular consequence: missense variant.
Genome position (GRCh38, 1-based): chr2:240,763,310, C>T on the plus strand (G>A on the coding strand, the complement: KIF1A is on the minus strand). VCF-style: chr2-240763310-C-T. GRCh37 (hg19) VCF-style: chr2-241702727-C-T.
Other names: c.1805G>A, p.Arg602Gln (NM_001320705.2, NM_001330289.2, NM_001379638.1); c.1880G>A, p.Arg627Gln (NM_001330290.2, NM_001379631.1, NM_001379634.1 and 2 more transcripts); c.1778G>A, p.Arg593Gln (NM_001379632.1, NM_001379633.1, NM_001379636.1 and 10 more transcripts); c.1853G>A, p.Arg618Gln (NM_001379637.1, NM_001379648.1); short protein forms R602Q, R593Q, R618Q, R627Q.
Identifiers: ClinVar variation 1385231 (VCV001385231.11), dbSNP rs1009422974, ClinGen allele CA68173226.
Genomic context (GRCh38, chr2:240,763,310, plus strand): 5'-GGCGTCTCCGCACAAGGCGTGCGCTCACGCTCCTGCCGGGCCTGCTCGGGGTGGTTGAAC[C>T]GGAACACATGGCTCTTACCCATGATGATGCGGTTTCCTGGGGAACAGAGGGACAGGTGGC-3'
Protein context (NP_001230937.1, residues 592-612): RIIMGKSHVF[Arg602Gln]FNHPEQARQE